The following is an entry in ClinVar:

ClinVar aggregate classification (germline): Pathogenic (1 of 4 stars; one submission).

Conditions:
Muscular dystrophy-dystroglycanopathy (congenital with impaired intellectual development), type B, 2. Also called: MUSCULAR DYSTROPHY, CONGENITAL, POMT2-RELATED; Muscular dystrophy-dystroglycanopathy (congenital with intellectual disability), type B2. Identifiers: MedGen C3150416, MONDO:0013160, OMIM 613156.
Muscular dystrophy-dystroglycanopathy (congenital with brain and eye anomalies), type A2. Also called: MUSCULAR DYSTROPHY-DYSTROGLYCANOPATHY (CONGENITAL WITH BRAIN AND EYE ANOMALIES), TYPE A, 2; WALKER-WARBURG SYNDROME OR MUSCLE-EYE-BRAIN DISEASE, POMT2-RELATED. Identifiers: Orphanet 588, Orphanet 899, MedGen C3150411, MONDO:0013154, OMIM 613150.
Autosomal recessive limb-girdle muscular dystrophy type 2N. Also called: MUSCULAR DYSTROPHY-DYSTROGLYCANOPATHY, LIMB-GIRDLE, POMT2-RELATED; Muscular dystrophy-dystroglycanopathy (limb-girdle), type C, 2. Identifiers: Orphanet 206559, MedGen C3150418, MONDO:0013162, OMIM 613158.

Submission:

Labcorp Genetics (formerly Invitae), Labcorp
Classification: Pathogenic for Muscular dystrophy-dystroglycanopathy (congenital with impaired intellectual development), type B, 2; Muscular dystrophy-dystroglycanopathy (congenital with brain and eye anomalies), type A2; Autosomal recessive limb-girdle muscular dystrophy type 2N. Last evaluated: 2023-07-08. Review status: criteria provided, single submitter. Criteria: Invitae Variant Classification Sherloc (09022015). Collection method: clinical testing. Allele origin: germline.
Comment: For these reasons, this variant has been classified as Pathogenic. This variant has not been reported in the literature in individuals affected with POMT2-related conditions. This variant is not present in population databases (gnomAD no frequency). This sequence change creates a premature translational stop signal (p.Leu656Argfs*21) in the POMT2 gene. It is expected to result in an absent or disrupted protein product. Loss-of-function variants in POMT2 are known to be pathogenic (PMID: 15894594).

Literature cited by the submitters: PubMed 15894594.

NM_013382.7(POMT2):c.1967del (p.Leu656fs)

Gene: POMT2 (protein O-mannosyltransferase 2; minus strand). Cytogenetic location: 14q24.3.
Variant type: Deletion.
Coding change: c.1967del on transcript NM_013382.7 (MANE Select); coding-DNA position 1967, one base deleted (T; older notation c.1967delT).
Protein change: p.Leu656fs; shifts the reading frame from leucine 656.
Molecular consequence: frameshift variant.
Genome position (GRCh38, 1-based): chr14:77,278,794, A deleted on the plus strand (T on the coding strand, the reverse complement: POMT2 is on the minus strand). VCF-style (leftmost placement, unchanged base first): chr14-77278793-CA-C. GRCh37 (hg19) VCF-style: chr14-77745136-CA-C.
Other names: short protein forms L656fs.
Identifiers: ClinVar variation 2949661 (VCV002949661.3), dbSNP rs2503155551, ClinGen allele CA2740097134.